The following is an entry in ClinVar:

ClinVar aggregate classification (germline): Likely benign (0 of 4 stars; one submission).

Conditions:
NBEAL2-related disorder. Also called: NBEAL2-related condition.

Allele frequency attached by ClinVar (database versions not stated): ExAC 0.00001.
gnomAD v4.1: 37 of 1,613,642 alleles (0.0023%); highest among the groups gnomAD compares: Non-Finnish European, 0.0029%; no homozygotes.

Submission:

PreventionGenetics, part of Exact Sciences
Classification: Likely benign for NBEAL2-related condition. Last evaluated: 2021-07-28. Review status: no assertion criteria provided. Collection method: clinical testing. Allele origin: germline.
Comment: This variant is classified as likely benign based on ACMG/AMP sequence variant interpretation guidelines (Richards et al. 2015 PMID: 25741868, with internal and published modifications).

NM_015175.3(NBEAL2):c.6831C>T (p.His2277=)

Gene: NBEAL2 (neurobeachin like 2; plus strand). Cytogenetic location: 3p21.31.
Variant type: single nucleotide variant.
Coding change: c.6831C>T on transcript NM_015175.3 (MANE Select); coding-DNA position 6831, C replaced by T.
Protein change: p.His2277=; no amino-acid change (histidine 2277 retained).
Molecular consequence: synonymous variant.
Genome position (GRCh38, 1-based): chr3:47,005,975, C>T. VCF-style: chr3-47005975-C-T. GRCh37 (hg19) VCF-style: chr3-47047465-C-T.
Other names: c.6729C>T, p.His2243= (NM_001365116.2).
Identifiers: ClinVar variation 3032631 (VCV003032631.2), dbSNP rs779972608, ClinGen allele CA2361975.